The following is an entry in ClinVar:

ClinVar aggregate classification (germline): Likely pathogenic. Review status: criteria provided, multiple submitters, no conflicts (2 of 4 stars). 3 submissions from 3 submitters: Likely pathogenic (2). 1 of the submissions does not count toward it. Last evaluated 2024-11-10.

Conditions:
Joubert syndrome 2 (JBTS2). Also called: CEREBELLOOCULORENAL SYNDROME 2. Identifiers: Orphanet 2318, MedGen C1842577, MONDO:0011963, OMIM 608091.
Meckel syndrome, type 2 (MKS2). Also called: MKS2-Related Meckel Syndrome; MECKEL-GRUBER SYNDROME, TYPE 2. Identifiers: Orphanet 564, MedGen C1864148, MONDO:0011296, OMIM 603194.
Joubert syndrome. Also called: Familial aplasia of the vermis; CEREBELLOPARENCHYMAL DISORDER IV; JOUBERT-BOLTSHAUSER SYNDROME. Identifiers: Orphanet 475, MedGen C5979921, MONDO:0018772.

Submissions (3):

Natera, Inc.
Classification: Likely pathogenic for Joubert syndrome type 2. Last evaluated: 2024-11-10. Review status: criteria provided, single submitter. Criteria: Natera Variant Classification Schema (03/2026). Collection method: clinical testing. Allele origin: germline.
Comment: The c.137-1G>A variant in TMEM216 is a canonical splice acceptor site variant predicted to affect pre-mRNA splicing, which may result in an abnormal transcript and altered protein product. This variant is expected to result in nonsense mediated decay, truncation, or a dysfunctional protein product. This variant is rare in the general population with a frequency below the threshold expected for the associated phenotype(s). Given the available evidence, this variant is classified as Likely Pathogenic.

Labcorp Genetics (formerly Invitae), Labcorp
Classification: Likely pathogenic for Joubert syndrome. Last evaluated: 2018-09-05. Review status: criteria provided, single submitter. Criteria: Invitae Variant Classification Sherloc (09022015). Collection method: clinical testing. Allele origin: germline.
Comment: This variant is not present in population databases (ExAC no frequency). This variant has not been reported in the literature in individuals with TMEM216-related disease. Algorithms developed to predict the effect of sequence changes on RNA splicing suggest that this variant may disrupt the consensus splice site, but this prediction has not been confirmed by published transcriptional studies. Donor and acceptor splice site variants typically lead to a loss of protein function (PMID: 16199547), and loss-of-function variants in TMEM216 are known to be pathogenic (PMID: 20512146). In summary, the currently available evidence indicates that the variant is pathogenic, but additional data are needed to prove that conclusively. Therefore, this variant has been classified as Likely Pathogenic. This sequence change affects an acceptor splice site in intron 2 of the TMEM216 gene. It is expected to disrupt RNA splicing and likely results in an absent or disrupted protein product.

Counsyl
Classification: Likely pathogenic for Meckel syndrome, type 2; Joubert syndrome 2. Last evaluated: 2018-05-07. Review status: no assertion criteria provided. Collection method: clinical testing. Allele origin: unknown. Not counted in ClinVar's aggregate classification.

Literature cited by the submitters: PubMed 16199547 (cited by Labcorp Genetics (formerly Invitae), Labcorp); PubMed 20512146 (cited by Labcorp Genetics (formerly Invitae), Labcorp).

NM_001173990.3(TMEM216):c.137-1G>A

Gene: TMEM216 (transmembrane protein 216; plus strand). Cytogenetic location: 11q12.2.
Variant type: single nucleotide variant.
Coding change: c.137-1G>A on transcript NM_001173990.3 (MANE Select); the canonical splice acceptor site of the intron before coding-DNA position 137, G replaced by A.
Molecular consequence: splice acceptor variant.
Genome position (GRCh38, 1-based): chr11:61,393,883, G>A. VCF-style: chr11-61393883-G-A. GRCh37 (hg19) VCF-style: chr11-61161355-G-A.
Other names: c.-47-1G>A (NM_016499.6, NM_001330285.2); c.137-1G>A (NM_001173991.3).
Identifiers: ClinVar variation 558218 (VCV000558218.12), dbSNP rs1554972547, ClinGen allele CA380685017.
Genomic context (GRCh38, chr11:61,393,883, plus strand): 5'-GTGGCAGTTCTTGTGGGTGCTGTTATATGCTGTTTGCAAACTCTGGCTTTTGTATTGGCA[G>A]GTGTCCTGCTACCATATCCAACAGCTAACCTAGTACTGGATGTGGTGATGCTCCTCCTTT-3'